The following is an entry in ClinVar:

ClinVar aggregate classification (germline): Likely pathogenic (1 of 4 stars; one submission).

Conditions:
Hereditary angioedema type 1 (HAE1). Identifiers: Orphanet 100050, Orphanet 100051, Orphanet 91378, MedGen C2717906, MONDO:0015053, OMIM 106100.

Submission:

DNA-diagnostics Laboratory, Research Centre For Medical Genetics
Classification: Likely pathogenic for Hereditary angioedema type 1. Last evaluated: 2024-07-27. Review status: criteria provided, single submitter. Criteria: ACMG Guidelines, 2015. Collection method: research. Allele origin: germline. Inheritance: Autosomal dominant inheritance. Affected: yes. Observed: 1 heterozygote.
Comment: According to our observation the c.1289_1299del variant in SERPING1 meets ACMG/ClinGen SVI guidance criteria to be classified as likely pathogenic: PVS1_Str, PP4_Mod, PM2_Sup

NM_000062.3(SERPING1):c.1289_1299del (p.Leu430fs)

Gene: SERPING1 (serpin family G member 1; plus strand). Cytogenetic location: 11q12.1.
Variant type: Deletion.
Coding change: c.1289_1299del on transcript NM_000062.3 (MANE Select); coding-DNA positions 1289 to 1299, 11 bases deleted (TGACAGAGGAC).
Protein change: p.Leu430fs; shifts the reading frame from leucine 430.
Molecular consequence: frameshift variant.
Genome position (GRCh38, 1-based): chr11:57,614,367-57,614,377, TGACAGAGGAC deleted; deleting any 11 consecutive bases within chr11:57,614,366-57,614,377 gives the same sequence; the c. name uses the placement nearest the transcript's 3' end. VCF-style (leftmost placement, unchanged base first): chr11-57614365-GCTGACAGAGGA-G. GRCh37 (hg19) VCF-style: chr11-57381838-GCTGACAGAGGA-G.
Other names: c.1289_1299del, p.Leu430fs (NM_001032295.2); short protein forms L430fs.
Identifiers: ClinVar variation 3256124 (VCV003256124.2).